The following is an entry in ClinVar:

NM_004725.4(BUB3):c.591C>T (p.Ser197=)

Gene: BUB3 (BUB3 mitotic checkpoint protein; plus strand). Cytogenetic location: 10q26.13.
Variant type: single nucleotide variant.
Coding change: c.591C>T on transcript NM_004725.4 (MANE Select); coding-DNA position 591, C replaced by T.
Protein change: p.Ser197=; no amino-acid change (serine 197 retained).
Molecular consequence: synonymous variant.
Genome position (GRCh38, 1-based): chr10:123,162,250, C>T. VCF-style: chr10-123162250-C-T. GRCh37 (hg19) VCF-style: chr10-124921766-C-T.
Other names: c.591C>T, p.Ser197= (NM_001007793.3).
Identifiers: ClinVar variation 717245 (VCV000717245.10), dbSNP rs189428865, ClinGen allele CA5731632.
Genomic context (GRCh38, chr10:123,162,250, plus strand): 5'-GGAAGCTGGAATTTACCATTTTTTTCCTCTGGTTCTCTCTTGGCAGGGTTATGTATTAAG[C>T]TCTATTGAAGGCCGAGTGGCAGTTGAGTATTTGGACCCAAGCCCTGAGGTACAGAAGAAG-3'
Protein context (NP_004716.1, residues 187-207): AFPNKQGYVL[Ser197=]SIEGRVAVEY

ClinVar aggregate classification (germline): Likely benign. Review status: criteria provided, multiple submitters, no conflicts (2 of 4 stars). 3 submissions from 3 submitters: Likely benign (3). Last evaluated 2026-02-01.

Allele frequency attached by ClinVar (database versions not stated): ExAC 0.00005; gnomAD exomes 0.00016 and 0.00060; 1000 Genomes Project 0.00140; 1000 Genomes Project 30x 0.00141; gnomAD 0.00176; TOPMed 0.00187.

Submissions (3):

CeGaT Center for Human Genetics Tuebingen
Classification: Likely benign. Last evaluated: 2026-02-01. Review status: criteria provided, single submitter. Criteria: CeGaT Center For Human Genetics Tuebingen Variant Classification Criteria Version 2. Collection method: clinical testing. Allele origin: germline. Affected: yes. Observed: 1 variant allele.
Comment: BUB3: BP4, BP7

Ambry Genetics
Classification: Likely benign. Last evaluated: 2022-02-12. Review status: criteria provided, single submitter. Criteria: Ambry Variant Classification Scheme 2023. Collection method: clinical testing. Allele origin: germline.

Labcorp Genetics (formerly Invitae), Labcorp
Classification: Likely benign. Last evaluated: 2019-12-31. Review status: criteria provided, single submitter. Criteria: Invitae Variant Classification Sherloc (09022015). Collection method: clinical testing. Allele origin: germline.